The following is an entry in ClinVar:

ClinVar aggregate classification (germline): Uncertain significance. Review status: criteria provided, multiple submitters, no conflicts (2 of 4 stars). 3 submissions from 3 submitters: Uncertain significance (3). Last evaluated 2025-04-11.

Conditions:
Inborn genetic diseases. Identifiers: MedGen C0950123, MeSH D030342.

Allele frequency attached by ClinVar (database versions not stated): gnomAD 0.00001 and 0.00002; TOPMed 0.00002; gnomAD exomes 0.00003 and 0.00006.
gnomAD v4.1: 86 of 1,545,238 alleles (0.0056%); highest among the groups gnomAD compares: Non-Finnish European, 0.007%; no homozygotes.

Submissions (3):

Ambry Genetics
Classification: Uncertain significance for Inborn genetic diseases. Last evaluated: 2025-04-11. Review status: criteria provided, single submitter. Criteria: Ambry Variant Classification Scheme 2023. Collection method: clinical testing. Allele origin: germline.

Labcorp Genetics (formerly Invitae), Labcorp
Classification: Uncertain significance. Last evaluated: 2022-06-19. Review status: criteria provided, single submitter. Criteria: Invitae Variant Classification Sherloc (09022015). Collection method: clinical testing. Allele origin: germline.
Comment: This sequence change replaces isoleucine, which is neutral and non-polar, with lysine, which is basic and polar, at codon 2043 of the EYS protein (p.Ile2043Lys). This variant is present in population databases (no rsID available, gnomAD 0.006%). This variant has not been reported in the literature in individuals affected with EYS-related conditions. Algorithms developed to predict the effect of missense changes on protein structure and function are either unavailable or do not agree on the potential impact of this missense change (SIFT: "Deleterious"; PolyPhen-2: "Possibly Damaging"; Align-GVGD: "Class C0"). In summary, the available evidence is currently insufficient to determine the role of this variant in disease. Therefore, it has been classified as a Variant of Uncertain Significance.

Blueprint Genetics
Classification: Uncertain significance. Last evaluated: 2020-09-23. Review status: criteria provided, single submitter. Criteria: ACMG Guidelines, 2015. Collection method: clinical testing. Allele origin: germline.

NM_001142800.2(EYS):c.6128T>A (p.Ile2043Lys)

Gene: EYS (EGF-like photoreceptor maintenance factor; minus strand). Cytogenetic location: 6q12.
Variant type: single nucleotide variant.
Coding change: c.6128T>A on transcript NM_001142800.2 (MANE Select); coding-DNA position 6128, T replaced by A.
Protein change: p.Ile2043Lys; replaces isoleucine 2043 with lysine.
Molecular consequence: missense variant.
Genome position (GRCh38, 1-based): chr6:64,307,033, A>T on the plus strand (T>A on the coding strand, the complement: EYS is on the minus strand). VCF-style: chr6-64307033-A-T. GRCh37 (hg19) VCF-style: chr6-65016926-A-T.
Other names: c.6128T>A, p.Ile2043Lys (NM_001292009.2); c.6128T>A (NM_001142800.1); short protein forms I2043K.
Identifiers: ClinVar variation 1431146 (VCV001431146.7), dbSNP rs1367602173, ClinGen allele CA364391810.